The following is an entry in ClinVar:

ClinVar aggregate classification (germline): Uncertain significance (1 of 4 stars; one submission).

Allele frequency attached by ClinVar (database versions not stated): gnomAD below 0.00001 and 0.00001; gnomAD exomes 0.00001 and 0.00003; ExAC 0.00003.
gnomAD v4.1: 21 of 1,614,036 alleles (0.0013%); highest among the groups gnomAD compares: South Asian, 0.021%; no homozygotes.

Submission:

GeneDx
Classification: Uncertain significance. Last evaluated: 2016-09-22. Review status: criteria provided, single submitter. Criteria: GeneDx Variant Classification (06012015). Collection method: clinical testing. Allele origin: germline. Affected: yes.
Comment: A variant of uncertain significance has been identified in the ARFGEF2 gene. The P1108L variant has not been published as a pathogenic variant, nor has it been reported as a benign variant to our knowledge. It was not observed in approximately 6,500 individuals of European and African American ancestry in the NHLBI Exome Sequencing Project, indicating it is not a common benign variant in these populations. The P1108L variant is a semi-conservative amino acid substitution, which may impact secondary protein structure as these residues differ in some properties. This substitution occurs at a position that is conserved across species, and in silico analysis predicts this variant is probably damaging to the protein structure/function. Based on the currently available information, it is unclear whether this variant is a pathogenic variant or a rare benign variant.

NM_006420.3(ARFGEF2):c.3323C>T (p.Pro1108Leu)

Gene: ARFGEF2 (ARF guanine nucleotide exchange factor 2; plus strand). Cytogenetic location: 20q13.13.
Variant type: single nucleotide variant.
Coding change: c.3323C>T on transcript NM_006420.3 (MANE Select); coding-DNA position 3323, C replaced by T.
Protein change: p.Pro1108Leu; replaces proline 1108 with leucine.
Molecular consequence: missense variant.
Genome position (GRCh38, 1-based): chr20:48,998,396, C>T. VCF-style: chr20-48998396-C-T. GRCh37 (hg19) VCF-style: chr20-47614933-C-T.
Other names: short protein forms P1108L.
Identifiers: ClinVar variation 389307 (VCV000389307.2), dbSNP rs767791225, ClinGen allele CA9898902.